The following is an entry in ClinVar:

NM_001429.4(EP300):c.5818C>T (p.Arg1940Cys)

Gene: EP300 (EP300 lysine acetyltransferase; plus strand). Cytogenetic location: 22q13.2.
Variant type: single nucleotide variant.
Coding change: c.5818C>T on transcript NM_001429.4 (MANE Select); coding-DNA position 5818, C replaced by T.
Protein change: p.Arg1940Cys; replaces arginine 1940 with cysteine.
Molecular consequence: missense variant.
Genome position (GRCh38, 1-based): chr22:41,177,529, C>T. VCF-style: chr22-41177529-C-T. GRCh37 (hg19) VCF-style: chr22-41573533-C-T.
Other names: c.5740C>T, p.Arg1914Cys (NM_001362843.2); short protein forms R1940C, R1914C.
Identifiers: ClinVar variation 4978829 (VCV004978829.1).
Genomic context (GRCh38, chr22:41,177,529, plus strand): 5'-GGGCCCCCACCTGCAGCAGTGGAAATGGCAATGCAGATTCAGAGAGCAGCGGAGACGCAG[C>T]GCCAGATGGCCCACGTGCAAATTTTTCAAAGGCCAATCCAACACCAGATGCCCCCGATGA-3'
Protein context (NP_001420.2, residues 1930-1950): MQIQRAAETQ[Arg1940Cys]QMAHVQIFQR

ClinVar aggregate classification (germline): Uncertain significance (1 of 4 stars; one submission).

Conditions:
EP300-related disorder. Also called: EP300-related condition; EP300-related disorders.

gnomAD v4.1: 11 of 1,614,164 alleles (0.00068%); highest among the groups gnomAD compares: Non-Finnish European, 0.00093%; no homozygotes.

Submission:

PreventionGenetics, part of Exact Sciences
Classification: Uncertain significance for EP300-related condition. Last evaluated: 2025-11-01. Review status: criteria provided, single submitter. Criteria: ACMG Guidelines, 2015. Collection method: clinical testing. Allele origin: germline.
Comment: The EP300 c.5818C>T variant is predicted to result in the amino acid substitution p.Arg1940Cys. To our knowledge, this variant has not been reported in the literature or in a large population database (gnomAD), indicating this variant is rare. At this time, the clinical significance of this variant is uncertain due to the absence of conclusive functional and genetic evidence.